The following is an entry in ClinVar:

NM_014991.6(WDFY3):c.1744T>C (p.Tyr582His)

Gene: WDFY3 (WD repeat and FYVE domain containing 3; minus strand). Cytogenetic location: 4q21.23.
Variant type: single nucleotide variant.
Coding change: c.1744T>C on transcript NM_014991.6 (MANE Select); coding-DNA position 1744, T replaced by C.
Protein change: p.Tyr582His; replaces tyrosine 582 with histidine.
Molecular consequence: missense variant.
Genome position (GRCh38, 1-based): chr4:84,817,535, A>G on the plus strand (T>C on the coding strand, the complement: WDFY3 is on the minus strand). VCF-style: chr4-84817535-A-G. GRCh37 (hg19) VCF-style: chr4-85738688-A-G.
Other names: short protein forms Y582H.
Identifiers: ClinVar variation 4527599 (VCV004527599.1).

ClinVar aggregate classification (germline): Uncertain significance (1 of 4 stars; one submission).

Submission:

GeneDx
Classification: Uncertain significance. Last evaluated: 2025-04-25. Review status: criteria provided, single submitter. Criteria: GeneDx Variant Classification Process June 2021. Collection method: clinical testing. Allele origin: germline. Affected: yes.
Comment: Not observed at significant frequency in large population cohorts (gnomAD); In silico analysis indicates that this missense variant does not alter protein structure/function; Has not been previously published as pathogenic or benign to our knowledge